The following is an entry in ClinVar:

NM_025114.4(CEP290):c.7268A>G (p.Glu2423Gly)

Genes: CEP290 (centrosomal protein 290; minus strand), RLIG1 (RNA 5'-phosphate and 3'-OH ligase 1; plus strand). Cytogenetic location: 12q21.32.
Variant type: single nucleotide variant.
Coding change: c.7268A>G on transcript NM_025114.4 (MANE Select); coding-DNA position 7268, A replaced by G.
Protein change: p.Glu2423Gly; replaces glutamic acid 2423 with glycine.
Molecular consequence: missense variant. On other transcripts: 3 prime UTR variant (1).
Genome position (GRCh38, 1-based): chr12:88,049,356, T>C on the plus strand (A>G on the coding strand, the complement: CEP290 is on the minus strand). VCF-style: chr12-88049356-T-C. GRCh37 (hg19) VCF-style: chr12-88443133-T-C.
Other names: c.*934T>C (NM_001009894.3); short protein forms E2423G.
Identifiers: ClinVar variation 4980335 (VCV004980335.1).

ClinVar aggregate classification (germline): Uncertain significance (1 of 4 stars; one submission).

Conditions:
CEP290-related disorder. Also called: CEP290-related condition; CEP290-related disorders. Identifiers: MedGen CN239314.

gnomAD v4.1: 2 of 1,574,344 alleles (0.00013%); highest among the groups gnomAD compares: African/African-American, 0.0014%; no homozygotes.

Submission:

PreventionGenetics, part of Exact Sciences
Classification: Uncertain significance for CEP290-related condition. Last evaluated: 2026-03-26. Review status: criteria provided, single submitter. Criteria: ACMG Guidelines, 2015. Collection method: clinical testing. Allele origin: germline.
Comment: The CEP290 c.7268A>G variant is predicted to result in the amino acid substitution p.Glu2423Gly. To our knowledge, this variant has not been reported in the literature or in a large population database (gnomAD), indicating this variant is rare. At this time, the clinical significance of this variant is uncertain due to the absence of conclusive functional and genetic evidence.